The following is an entry in ClinVar:

NM_000059.4(BRCA2):c.9434T>A (p.Val3145Glu)

Gene: BRCA2 (BRCA2 DNA repair associated; plus strand). Cytogenetic location: 13q13.1.
Variant type: single nucleotide variant.
Coding change: c.9434T>A on transcript NM_000059.4 (MANE Select); coding-DNA position 9434, T replaced by A.
Protein change: p.Val3145Glu; replaces valine 3145 with glutamic acid.
Molecular consequence: missense variant. On other transcripts: non-coding transcript variant (1).
Genome position (GRCh38, 1-based): chr13:32,394,866, T>A. VCF-style: chr13-32394866-T-A. GRCh37 (hg19) VCF-style: chr13-32969003-T-A.
Other names: c.9338T>A, p.Val3113Glu (NM_001406719.1); c.9383T>A, p.Val3128Glu (NM_001406720.1); c.4502T>A, p.Val1501Glu (NM_001406721.1); c.3017T>A, p.Val1006Glu (NM_001406722.1); c.9434T>A, p.Val3145Glu (NM_001432077.1); short protein forms V1006E, V1501E, V3113E, V3145E, V3128E.
Identifiers: ClinVar variation 4215795 (VCV004215795.1).

ClinVar aggregate classification (germline): Uncertain significance (1 of 4 stars; one submission).

Conditions:
Hereditary cancer-predisposing syndrome. Also called: Hereditary Cancer Syndrome; Hereditary neoplastic syndrome; Neoplastic Syndromes, Hereditary; Tumor predisposition. Identifiers: Orphanet 140162, MedGen C0027672, MeSH D009386, MONDO:0015356.

Submission:

Ambry Genetics
Classification: Uncertain significance for Hereditary cancer-predisposing syndrome. Last evaluated: 2025-06-24. Review status: criteria provided, single submitter. Criteria: Ambry Variant Classification Scheme 2023. Collection method: clinical testing. Allele origin: germline.
Comment: The p.V3145E variant (also known as c.9434T>A), located in coding exon 24 of the BRCA2 gene, results from a T to A substitution at nucleotide position 9434. The valine at codon 3145 is replaced by glutamic acid, an amino acid with dissimilar properties. This amino acid position is conserved. In addition, the in silico prediction for this alteration is inconclusive. Based on the available evidence, the clinical significance of this variant remains unclear.